The following is an entry in ClinVar:

ClinVar aggregate classification (germline): Likely benign. Review status: criteria provided, multiple submitters, no conflicts (2 of 4 stars). 2 submissions from 2 submitters: Likely benign (2). Last evaluated 2026-02-01.

Allele frequency attached by ClinVar (database versions not stated): ExAC 0.00003; gnomAD 0.00003 and 0.00004; gnomAD exomes 0.00003; TOPMed 0.00003; ESP Exome Variant Server 0.00008.
gnomAD v4.1: 119 of 1,614,060 alleles (0.0074%); highest among the groups gnomAD compares: Non-Finnish European, 0.0092%; 1 homozygote.

Submissions (2):

CeGaT Center for Human Genetics Tuebingen
Classification: Likely benign. Last evaluated: 2026-02-01. Review status: criteria provided, single submitter. Criteria: CeGaT Center For Human Genetics Tuebingen Variant Classification Criteria Version 2. Collection method: clinical testing. Allele origin: germline. Affected: yes. Observed: 1 variant allele.
Comment: VPS13C: BP4, BP7

Labcorp Genetics (formerly Invitae), Labcorp
Classification: Likely benign. Last evaluated: 2023-11-22. Review status: criteria provided, single submitter. Criteria: Invitae Variant Classification Sherloc (09022015). Collection method: clinical testing. Allele origin: germline.

NM_020821.3(VPS13C):c.11241C>G (p.Leu3747=)

Gene: VPS13C (vacuolar protein sorting 13 homolog C; minus strand). Cytogenetic location: 15q22.2.
Variant type: single nucleotide variant.
Coding change: c.11241C>G on transcript NM_020821.3 (MANE Select); coding-DNA position 11241, C replaced by G.
Protein change: p.Leu3747=; no amino-acid change (leucine 3747 retained).
Molecular consequence: synonymous variant.
Genome position (GRCh38, 1-based): chr15:61,854,478, G>C on the plus strand (C>G on the coding strand, the complement: VPS13C is on the minus strand). VCF-style: chr15-61854478-G-C. GRCh37 (hg19) VCF-style: chr15-62146677-G-C.
Other names: c.11112C>G, p.Leu3704= (NM_017684.5).
Identifiers: ClinVar variation 796834 (VCV000796834.10), dbSNP rs375378448, ClinGen allele CA7594049.
Genomic context (GRCh38, chr15:61,854,478, plus strand): 5'-ATTGTTTTTTCTCCCTGTTGGAGCCCCTGAGGTCTGTGATTAAGATGGCAATTGGGGTCT[G>C]AGAAGTCTCACTGATGACTGCTTCATCAATTTTTGCTGCTGTCTCGTTGACTGTGCATCC-3'
Protein context (NP_065872.1, residues 3737-3753): KLMKQSSVRL[Leu3747=]RPQLPS